The following is an entry in ClinVar:

ClinVar aggregate classification (germline): Uncertain significance (1 of 4 stars; one submission).

Conditions:
Deficiency of acetyl-CoA acetyltransferase. Also called: MITOCHONDRIAL ACETOACETYL-CoA THIOLASE DEFICIENCY; Beta-ketothiolase deficiency; 3-KETOTHIOLASE DEFICIENCY; 3-OXOTHIOLASE DEFICIENCY. Identifiers: Orphanet 134, MedGen C1536500, MONDO:0008760, OMIM 203750. Disease mechanism: loss of function.

Allele frequency attached by ClinVar (database versions not stated): TOPMed below 0.00001; ExAC 0.00006.
gnomAD v4.1: 7 of 1,550,860 alleles (0.00045%); highest among the groups gnomAD compares: South Asian, 0.0012%; no homozygotes.

Submission:

Labcorp Genetics (formerly Invitae), Labcorp
Classification: Uncertain significance for Deficiency of acetyl-CoA acetyltransferase. Last evaluated: 2022-08-31. Review status: criteria provided, single submitter. Criteria: Invitae Variant Classification Sherloc (09022015). Collection method: clinical testing. Allele origin: germline.
Comment: This sequence change replaces alanine, which is neutral and non-polar, with valine, which is neutral and non-polar, at codon 5 of the ACAT1 protein (p.Ala5Val). The frequency data for this variant in the population databases is considered unreliable, as metrics indicate poor data quality at this position in the gnomAD database. This variant has not been reported in the literature in individuals affected with ACAT1-related conditions. Advanced modeling of protein sequence and biophysical properties (such as structural, functional, and spatial information, amino acid conservation, physicochemical variation, residue mobility, and thermodynamic stability) performed at Invitae indicates that this missense variant is not expected to disrupt ACAT1 protein function. In summary, the available evidence is currently insufficient to determine the role of this variant in disease. Therefore, it has been classified as a Variant of Uncertain Significance.

NM_000019.4(ACAT1):c.14C>T (p.Ala5Val)

Gene: ACAT1 (acetyl-CoA acetyltransferase 1; plus strand). Cytogenetic location: 11q22.3.
Variant type: single nucleotide variant.
Coding change: c.14C>T on transcript NM_000019.4 (MANE Select); coding-DNA position 14, C replaced by T.
Protein change: p.Ala5Val; replaces alanine 5 with valine.
Molecular consequence: missense variant. On other transcripts: 5 prime UTR variant (3), non-coding transcript variant (2), intron variant (2).
Genome position (GRCh38, 1-based): chr11:108,121,620, C>T. VCF-style: chr11-108121620-C-T. GRCh37 (hg19) VCF-style: chr11-107992347-C-T.
Other names: c.14C>T, p.Ala5Val (NM_001386677.1, NM_001386678.1); c.-264C>T (NM_001386679.1); c.-351C>T (NM_001386685.1); c.-356C>T (NM_001386686.1); c.-416+4718C>T (NM_001386682.1); c.-199+4718C>T (NM_001386681.1); short protein forms A5V.
Identifiers: ClinVar variation 2413212 (VCV002413212.3), dbSNP rs767448873, ClinGen allele CA6262981.